The following is an entry in ClinVar:

NM_001347721.2(DYRK1A):c.1343_1346dup (p.Arg449fs)

Gene: DYRK1A (dual specificity tyrosine phosphorylation regulated kinase 1A; plus strand). Cytogenetic location: 21q22.13.
Variant type: Duplication.
Coding change: c.1343_1346dup on transcript NM_001347721.2 (MANE Select); coding-DNA positions 1343 to 1346, 4 bases duplicated (TAAG; older notation c.1343_1346dupTAAG).
Protein change: p.Arg449fs; shifts the reading frame from arginine 449.
Molecular consequence: frameshift variant.
Genome position (GRCh38, 1-based): chr21:37,505,413-37,505,416, TAAG duplicated. VCF-style (leftmost placement, unchanged base first): chr21-37505412-T-TTAAG. GRCh37 (hg19) VCF-style: chr21-38877715-T-TTAAG.
Other names: c.1343_1346dup, p.Arg449fs (NM_001347722.2, NM_130436.2); c.1256_1259dup, p.Arg420fs (NM_001347723.2); c.1370_1373dup, p.Arg458fs (NM_001396.5, NM_101395.2, NM_130438.2); short protein forms R458fs, R420fs, R449fs.
Identifiers: ClinVar variation 817842 (VCV000817842.1), dbSNP rs1601316350, ClinGen allele CA915952630.
Genomic context (GRCh38, chr21:37,505,412, plus strand): 5'-CGACGTGCTGGGGAGTCAGGTCATACGGTCGCTGACTACTTGAAGTTCAAAGACCTCATT[T>TTAAG]TAAGGATGCTTGATTATGACCCCAAAACTCGAATTCAACCTTATTATGCTCTGCAGCACA-3'

ClinVar aggregate classification (germline): Pathogenic (1 of 4 stars; one submission).

Submission:

GeneDx
Classification: Pathogenic. Last evaluated: 2018-10-09. Review status: criteria provided, single submitter. Criteria: GeneDx Variant Classification (06012015). Collection method: clinical testing. Allele origin: germline. Affected: yes.
Comment: The c.1370_1373dupTAAG variant in the DYRK1A gene has not been reported previously as a pathogenic variant nor as a benign variant, to our knowledge. The c.1370_1373dupTAAG variant causes a frameshift starting with codon Arginine 458, changes this amino acid to a Serine residue, and creates a premature Stop codon at position 5 of the new reading frame, denoted p.Arg458SerfsX5. This variant is predicted to cause loss of normal protein function either through protein truncation or nonsense-mediated mRNA decay. The c.1370_1373dupTAAG variant is not observed in large population cohorts (Lek et al., 2016). We interpret c.1370_1373dupTAAG as a pathogenic variant.